The following is an entry in ClinVar:

NM_002519.3(NPAT):c.3223A>G (p.Asn1075Asp)

Gene: NPAT (nuclear protein, coactivator of histone transcription; minus strand). Cytogenetic location: 11q22.3.
Variant type: single nucleotide variant.
Coding change: c.3223A>G on transcript NM_002519.3 (MANE Select); coding-DNA position 3223, A replaced by G.
Protein change: p.Asn1075Asp; replaces asparagine 1075 with aspartic acid.
Molecular consequence: missense variant.
Genome position (GRCh38, 1-based): chr11:108,161,863, T>C on the plus strand (A>G on the coding strand, the complement: NPAT is on the minus strand). VCF-style: chr11-108161863-T-C. GRCh37 (hg19) VCF-style: chr11-108032590-T-C.
Other names: c.3244A>G, p.Asn1082Asp (NM_001321307.1); short protein forms N1075D, N1082D.
Identifiers: ClinVar variation 1729101 (VCV001729101.2), dbSNP rs1160612820, ClinGen allele CA382511280.

ClinVar aggregate classification (germline): Uncertain significance (1 of 4 stars; one submission).

Submission:

Ambry Genetics
Classification: Uncertain significance. Last evaluated: 2022-01-01. Review status: criteria provided, single submitter. Criteria: Ambry Variant Classification Scheme 2023. Collection method: clinical testing. Allele origin: germline.
Comment: The p.N1075D variant (also known as c.3223A>G), located in coding exon 17 of the NPAT gene, results from an A to G substitution at nucleotide position 3223. The asparagine at codon 1075 is replaced by aspartic acid, an amino acid with highly similar properties. This amino acid position is conserved. In addition, this alteration is predicted to be tolerated by in silico analysis. Since supporting evidence is limited at this time, the clinical significance of this alteration remains unclear.